The following is an entry in ClinVar:

ClinVar aggregate classification (germline): Uncertain significance. Review status: criteria provided, multiple submitters, no conflicts (2 of 4 stars). 2 submissions from 2 submitters: Uncertain significance (2). Last evaluated 2023-04-23.

Conditions:
Familial sleep-related hypermotor epilepsy. Also called: Autosomal Dominant Sleep-Related Hypermotor (Hyperkinetic) Epilepsy. Identifiers: Orphanet 98784, MedGen C3696898, MONDO:0000030.

Allele frequency attached by ClinVar (database versions not stated): gnomAD exomes 0.00001; ExAC 0.00001; gnomAD 0.00003.
gnomAD v4.1: 24 of 1,613,874 alleles (0.0015%); highest among the groups gnomAD compares: Middle Eastern, 0.016%; no homozygotes.

Submissions (2):

Labcorp Genetics (formerly Invitae), Labcorp
Classification: Uncertain significance. Last evaluated: 2023-04-23. Review status: criteria provided, single submitter. Criteria: Invitae Variant Classification Sherloc (09022015). Collection method: clinical testing. Allele origin: germline.
Comment: This sequence change replaces isoleucine, which is neutral and non-polar, with leucine, which is neutral and non-polar, at codon 233 of the CHRNA2 protein (p.Ile233Leu). This variant is present in population databases (rs780491416, gnomAD 0.003%). This missense change has been observed in individual(s) with clinical features of autosomal dominant nocturnal frontal lobe epilepsy (Invitae). ClinVar contains an entry for this variant (Variation ID: 204962). Advanced modeling of protein sequence and biophysical properties (such as structural, functional, and spatial information, amino acid conservation, physicochemical variation, residue mobility, and thermodynamic stability) performed at Invitae indicates that this missense variant is not expected to disrupt CHRNA2 protein function. In summary, the available evidence is currently insufficient to determine the role of this variant in disease. Therefore, it has been classified as a Variant of Uncertain Significance.

GeneDx
Classification: Uncertain significance. Last evaluated: 2015-08-24. Review status: criteria provided, single submitter. Criteria: GeneDx Variant Classification (06012015). Collection method: clinical testing. Allele origin: germline. Affected: yes.
Comment: p.Ile233Leu (ATC>CTC): c.697 A>C in exon 6 of the CHRNA2 gene (NM_000742.3). The I233L variant has not been published as a mutation, nor has it been reported as a benign polymorphism to our knowledge. It was not observed in approximately 6,500 individuals of European and African American ancestry in the NHLBI Exome Sequencing Project, indicating it is not a common benign variant in these populations. This substitution alters a highly conserved position in the topological extracellular domain in the CHRNA2 protein, and in silico analysis predicts this variant is probably damaging to the protein structure/function. However, the I233L variant is a conservative amino acid substitution, which is not likely to impact secondary protein structure as these residues share similar properties. Additionally, this amino acid substitution does not occur within the transmembrane region of the protein, where the vast majority of pathogenic missense mutations have been identified in association with epilepsy (Steinlein et al., 2010). The variant is found in EPILEPSY panel(s).

NM_000742.4(CHRNA2):c.697A>C (p.Ile233Leu)

Gene: CHRNA2 (cholinergic receptor nicotinic alpha 2 subunit; minus strand). Cytogenetic location: 8p21.2.
Variant type: single nucleotide variant.
Coding change: c.697A>C on transcript NM_000742.4 (MANE Select); coding-DNA position 697, A replaced by C.
Protein change: p.Ile233Leu; replaces isoleucine 233 with leucine.
Molecular consequence: missense variant.
Genome position (GRCh38, 1-based): chr8:27,463,746, T>G on the plus strand (A>C on the coding strand, the complement: CHRNA2 is on the minus strand). VCF-style: chr8-27463746-T-G. GRCh37 (hg19) VCF-style: chr8-27321263-T-G.
Other names: p.I233L:ATC>CTC; c.652A>C, p.Ile218Leu (NM_001282455.2); c.220A>C, p.Ile74Leu (NM_001347705.2, NM_001347706.2); c.103A>C, p.Ile35Leu (NM_001347707.2, NM_001347708.2); short protein forms I233L, I74L, I218L, I35L.
Identifiers: ClinVar variation 204962 (VCV000204962.6), dbSNP rs780491416, ClinGen allele CA313446.